The following is an entry in ClinVar:

ClinVar aggregate classification (germline): Conflicting classifications of pathogenicity. Review status: criteria provided, conflicting classifications (1 of 4 stars). 5 submissions from 5 submitters: Uncertain significance (4); Likely benign (1). Last evaluated 2025-12-14.

Conditions:
Congenital hyperammonemia, type I. Also called: Carbamoyl phosphate synthetase 1 deficiency; Hyperammonemia due to carbamoyl phosphate synthetase 1 deficiency; CPS 1 deficiency; Carbamyl phosphate synthetase (CPS) deficiency; Carbamoyl-phosphate synthase I deficiency; CPS I DEFICIENCY. Identifiers: Orphanet 147, MedGen C4082171, MONDO:0009376, OMIM 237300.
Pulmonary hypertension, neonatal, susceptibility to (PHN). Identifiers: MedGen C3714958, MONDO:0014151, OMIM 615371.

Allele frequency attached by ClinVar (database versions not stated): TOPMed 0.00006; gnomAD 0.00009; gnomAD exomes 0.00011 and 0.00013; ExAC 0.00014; ESP Exome Variant Server 0.00031.
gnomAD v4.1: 177 of 1,611,836 alleles (0.011%); highest among the groups gnomAD compares: Non-Finnish European, 0.012%; 1 homozygote.

Submissions (5):

Labcorp Genetics (formerly Invitae), Labcorp
Classification: Likely benign for Congenital hyperammonemia, type I. Last evaluated: 2025-12-14. Review status: criteria provided, single submitter. Criteria: Invitae Variant Classification Sherloc (09022015). Collection method: clinical testing. Allele origin: germline.

GeneDx
Classification: Uncertain significance. Last evaluated: 2024-12-23. Review status: criteria provided, single submitter. Criteria: GeneDx Variant Classification Process June 2021. Collection method: clinical testing. Allele origin: germline. Affected: yes.
Comment: Has not been previously published as pathogenic or benign to our knowledge; In silico analysis indicates that this missense variant does not alter protein structure/function

Department of Pathology and Laboratory Medicine, Sinai Health System
Classification: Uncertain significance for carbamoyl phosphate synthetase I deficiency disease. Last evaluated: 2021-10-16. Review status: criteria provided, single submitter. Criteria: ACMG Guidelines, 2015. Collection method: research. Allele origin: germline.

Fulgent Genetics
Classification: Uncertain significance for Congenital hyperammonemia, type I; Pulmonary hypertension, neonatal, susceptibility to. Last evaluated: 2021-08-29. Review status: criteria provided, single submitter. Criteria: ACMG Guidelines, 2015. Collection method: clinical testing. Allele origin: unknown.

Illumina Laboratory Services, Illumina
Classification: Uncertain significance for Congenital hyperammonemia, type I. Last evaluated: 2017-04-27. Review status: criteria provided, single submitter. Criteria: ICSL Variant Classification Criteria 13 December 2019. Collection method: clinical testing. Allele origin: germline.

NM_001875.5(CPS1):c.1154T>C (p.Ile385Thr)

Gene: CPS1 (carbamoyl-phosphate synthase 1; plus strand). Cytogenetic location: 2q34.
Variant type: single nucleotide variant.
Coding change: c.1154T>C on transcript NM_001875.5 (MANE Select); coding-DNA position 1154, T replaced by C.
Protein change: p.Ile385Thr; replaces isoleucine 385 with threonine.
Molecular consequence: missense variant. On other transcripts: non-coding transcript variant (1).
Genome position (GRCh38, 1-based): chr2:210,592,946, T>C. VCF-style: chr2-210592946-T-C. GRCh37 (hg19) VCF-style: chr2-211457670-T-C.
Other names: c.1154T>C, p.Ile385Thr (NM_001122633.3, NM_001369257.1); c.1187T>C, p.Ile396Thr (NM_001369256.1); short protein forms I385T, I396T.
Identifiers: ClinVar variation 897642 (VCV000897642.11), dbSNP rs201955205, ClinGen allele CA2086271.
Genomic context (GRCh38, chr2:210,592,946, plus strand): 5'-TGCATGAGAGCAAACCCTTCTTCGCTGTGCAGTTCCACCCAGAGGTCACCCCGGGGCCAA[T>C]AGACACTGAGGTACGTCAAAAAGATGAGGCCTATTATGTATGCAAAAAAAAAATGTATTT-3'
Protein context (NP_001866.2, residues 375-395): QFHPEVTPGP[Ile385Thr]DTEYLFDSFF